The following is an entry in ClinVar:

NM_024494.3(WNT2B):c.160G>A (p.Ala54Thr)

Genes: WNT2B (Wnt family member 2B; plus strand), LOC122094899 (Sharpr-MPRA regulatory region 8072; plus strand). Cytogenetic location: 1p13.2.
Variant type: single nucleotide variant.
Coding change: c.160G>A on transcript NM_024494.3 (MANE Select); coding-DNA position 160, G replaced by A.
Protein change: p.Ala54Thr; replaces alanine 54 with threonine.
Molecular consequence: missense variant. On other transcripts: intron variant (2).
Genome position (GRCh38, 1-based): chr1:112,509,422, G>A. VCF-style: chr1-112509422-G-A. GRCh37 (hg19) VCF-style: chr1-113052044-G-A.
Other names: c.126-5452G>A (NM_004185.4); c.-94-5452G>A (NM_001291880.1); c.160G>A (NM_024494.2); short protein forms A54T.
Identifiers: ClinVar variation 1973984 (VCV001973984.6), dbSNP rs1652263022, ClinGen allele CA341651483.

ClinVar aggregate classification (germline): Uncertain significance. Review status: criteria provided, multiple submitters, no conflicts (2 of 4 stars). 2 submissions from 2 submitters: Uncertain significance (2). Last evaluated 2025-12-08.

Allele frequency attached by ClinVar (database versions not stated): gnomAD exomes below 0.00001; TOPMed below 0.00001; gnomAD 0.00001.
gnomAD v4.1: 3 of 1,592,790 alleles (0.00019%); highest among the groups gnomAD compares: Admixed American, 0.0051%; no homozygotes.

Submissions (2):

Ambry Genetics
Classification: Uncertain significance. Last evaluated: 2025-12-08. Review status: criteria provided, single submitter. Criteria: Ambry Variant Classification Scheme 2023. Collection method: clinical testing. Allele origin: germline.

Labcorp Genetics (formerly Invitae), Labcorp
Classification: Uncertain significance. Last evaluated: 2023-11-20. Review status: criteria provided, single submitter. Criteria: Invitae Variant Classification Sherloc (09022015). Collection method: clinical testing. Allele origin: germline.
Comment: This sequence change replaces alanine, which is neutral and non-polar, with threonine, which is neutral and polar, at codon 54 of the WNT2B protein (p.Ala54Thr). This variant is not present in population databases (gnomAD no frequency). This variant has not been reported in the literature in individuals affected with WNT2B-related conditions. ClinVar contains an entry for this variant (Variation ID: 1973984). An algorithm developed to predict the effect of missense changes on protein structure and function (PolyPhen-2) suggests that this variant is likely to be tolerated. In summary, the available evidence is currently insufficient to determine the role of this variant in disease. Therefore, it has been classified as a Variant of Uncertain Significance.